The following is an entry in ClinVar:

NM_000038.6(APC):c.7039A>C (p.Arg2347=)

Gene: APC (APC regulator of Wnt signaling pathway; plus strand). Cytogenetic location: 5q22.2.
Variant type: single nucleotide variant.
Coding change: c.7039A>C on transcript NM_000038.6 (MANE Select); coding-DNA position 7039, A replaced by C.
Protein change: p.Arg2347=; no amino-acid change (arginine 2347 retained).
Molecular consequence: synonymous variant. On other transcripts: non-coding transcript variant (2).
Genome position (GRCh38, 1-based): chr5:112,842,633, A>C. VCF-style: chr5-112842633-A-C. GRCh37 (hg19) VCF-style: chr5-112178330-A-C.
Other names: c.7039A>C, p.Arg2347= (NM_001127510.3, NM_001354895.2, NM_001407450.1); c.6985A>C, p.Arg2329= (NM_001127511.3); c.7093A>C, p.Arg2365= (NM_001354896.2, NM_001407447.1, NM_001407448.1 and 1 more transcripts); c.7069A>C, p.Arg2357= (NM_001354897.2); c.6964A>C, p.Arg2322= (NM_001354898.2); c.6955A>C, p.Arg2319= (NM_001354899.2); c.6916A>C, p.Arg2306= (NM_001354900.2); c.6862A>C, p.Arg2288= (NM_001354901.2, NM_001407453.1); and 11 more.
Identifiers: ClinVar variation 1756811 (VCV001756811.4), dbSNP rs786202649, ClinGen allele CA446210781.

ClinVar aggregate classification (germline): Benign/Likely benign. Review status: criteria provided, multiple submitters, no conflicts (2 of 4 stars). 3 submissions from 3 submitters: Benign (1); Likely benign (2). Last evaluated 2024-04-08.

Conditions:
Hereditary cancer-predisposing syndrome. Also called: Neoplastic Syndromes, Hereditary; Tumor predisposition; Hereditary Cancer Syndrome; Hereditary neoplastic syndrome. Identifiers: Orphanet 140162, MedGen C0027672, MeSH D009386, MONDO:0015356.
Classic or attenuated familial adenomatous polyposis. Identifiers: MedGen CN372698, MONDO:0021057.
Familial adenomatous polyposis 1 (FAP1). Also called: FAMILIAL ADENOMATOUS POLYPOSIS 1, ATTENUATED; POLYPOSIS, ADENOMATOUS INTESTINAL. Identifiers: MedGen C2713442, MONDO:0021056, OMIM 175100. Disease mechanism: loss of function.

Submissions (3):

Myriad Genetics, Inc.
Classification: Benign for Familial adenomatous polyposis 1. Last evaluated: 2024-04-08. Review status: criteria provided, single submitter. Criteria: Myriad Autosomal Dominant, Autosomal Recessive and X-Linked Classification Criteria (2023). Collection method: clinical testing. Allele origin: unknown.
Comment: This variant is considered benign. This variant is a silent/synonymous amino acid change and it is not expected to impact splicing.

All of Us Research Program, National Institutes of Health
Classification: Likely benign for Classic or attenuated familial adenomatous polyposis. Last evaluated: 2023-09-17. Review status: criteria provided, single submitter. Criteria: ACMG Guidelines, 2015. Collection method: clinical testing. Allele origin: germline. Inheritance: Autosomal dominant inheritance. Observed: 1 variant allele, 1 heterozygote.
Comment: This study involves interpretation of variants in research participants for the purpose of population health screening. Participant phenotype was not available at the time of variant classification. Additional details can be found in publication PMID: 35346344, PMCID: PMC8962531

Ambry Genetics
Classification: Likely benign for Hereditary cancer-predisposing syndrome. Last evaluated: 2020-01-31. Review status: criteria provided, single submitter. Criteria: Ambry Variant Classification Scheme 2023. Collection method: clinical testing. Allele origin: germline.